The following is an entry in ClinVar:

NM_138927.4(SON):c.2529T>C (p.Ser843=)

Gene: SON (SON DNA and RNA binding protein; plus strand). Cytogenetic location: 21q22.11.
Variant type: single nucleotide variant.
Coding change: c.2529T>C on transcript NM_138927.4 (MANE Select); coding-DNA position 2529, T replaced by C.
Protein change: p.Ser843=; no amino-acid change (serine 843 retained).
Molecular consequence: synonymous variant. On other transcripts: non-coding transcript variant (1), intron variant (1).
Genome position (GRCh38, 1-based): chr21:33,551,760, T>C. VCF-style: chr21-33551760-T-C. GRCh37 (hg19) VCF-style: chr21-34924066-T-C.
Other names: c.2529T>C, p.Ser843= (NM_001291411.2, NM_001412133.1, NM_032195.3 and 2 more transcripts); c.244+5381T>C (NM_001291412.3).
Identifiers: ClinVar variation 3051215 (VCV003051215.4), dbSNP rs1485206768, ClinGen allele CA512336969.

ClinVar aggregate classification (germline): Likely benign. Review status: criteria provided, multiple submitters, no conflicts (2 of 4 stars). 3 submissions from 3 submitters: Likely benign (2). 1 of the submissions does not count toward it. Last evaluated 2025-07-21.

Conditions:
SON-related disorder. Also called: SON-related condition.

Submissions (3):

Labcorp Genetics (formerly Invitae), Labcorp
Classification: Likely benign. Last evaluated: 2025-07-21. Review status: criteria provided, single submitter. Criteria: Invitae Variant Classification Sherloc (09022015). Collection method: clinical testing. Allele origin: germline.

Blueprint Genetics
Classification: Likely benign. Last evaluated: 2023-10-02. Review status: criteria provided, single submitter. Criteria: ACMG Guidelines, 2015. Collection method: clinical testing. Allele origin: germline.

PreventionGenetics, part of Exact Sciences
Classification: Likely benign for SON-related condition. Last evaluated: 2020-01-23. Review status: no assertion criteria provided. Collection method: clinical testing. Allele origin: germline. Not counted in ClinVar's aggregate classification.
Comment: This variant is classified as likely benign based on ACMG/AMP sequence variant interpretation guidelines (Richards et al. 2015 PMID: 25741868, with internal and published modifications).